The following is an entry in ClinVar:

NM_001377.3(DYNC2H1):c.9313C>T (p.Arg3105Ter)

Gene: DYNC2H1 (dynein cytoplasmic 2 heavy chain 1; plus strand). Cytogenetic location: 11q22.3.
Variant type: single nucleotide variant.
Coding change: c.9313C>T on transcript NM_001377.3 (MANE Select); coding-DNA position 9313, C replaced by T.
Protein change: p.Arg3105Ter; replaces arginine 3105 with a stop codon.
Molecular consequence: nonsense.
Genome position (GRCh38, 1-based): chr11:103,223,046, C>T. VCF-style: chr11-103223046-C-T. GRCh37 (hg19) VCF-style: chr11-103093775-C-T.
Other names: c.9313C>T, p.Arg3105Ter (NM_001080463.2); short protein forms R3105*.
Identifiers: ClinVar variation 1299351 (VCV001299351.3), dbSNP rs777932973, ClinGen allele CA6254654.

ClinVar aggregate classification (germline): Pathogenic/Likely pathogenic. Review status: criteria provided, multiple submitters, no conflicts (2 of 4 stars). 3 submissions from 3 submitters: Pathogenic (1); Likely pathogenic (2). Last evaluated 2024-11-01.

Conditions:
Asphyxiating thoracic dystrophy 3. Also called: SHORT-RIB THORACIC DYSPLASIA 3 WITH OR WITHOUT POLYDACTYLY; POLYDACTYLY WITH NEONATAL CHONDRODYSTROPHY, TYPE I; SHORT-RIB THORACIC DYSPLASIA 3/6 WITH POLYDACTYLY, DIGENIC; Short rib polydactyly syndrome 2B; Saldino-Noonan Syndrome. Identifiers: Orphanet 474, Orphanet 93269, Orphanet 93270, Orphanet 93271, MedGen C0036069, MONDO:0013127, OMIM 613091.

Allele frequency attached by ClinVar (database versions not stated): gnomAD exomes below 0.00001; ExAC 0.00001; gnomAD 0.00001.
gnomAD v4.1: 3 of 1,613,020 alleles (0.00019%); highest among the groups gnomAD compares: Non-Finnish European, 0.00025%; no homozygotes.

Submissions (3):

Myriad Genetics, Inc.
Classification: Pathogenic for Asphyxiating thoracic dystrophy 3. Last evaluated: 2024-11-01. Review status: criteria provided, single submitter. Criteria: Myriad Autosomal Dominant, Autosomal Recessive and X-Linked Classification Criteria (2023). Collection method: clinical testing. Allele origin: unknown.
Comment: NM_001377.2(DYNC2H1):c.9313C>T(R3105*) is expected to be pathogenic in the context of DYNC2H1-related disorders. This variant is predicted to lead to an abnormal or absent protein product due to the creation of a premature termination codon in DYNC2H1, a gene where loss-of-function variants are known to be pathogenic. Please note: this variant was assessed in the context of healthy population screening.

Genetic Diagnostics Department, Viafet Genomics Laboratory
Classification: Likely pathogenic for Asphyxiating thoracic dystrophy 3. Last evaluated: 2021-08-23. Review status: criteria provided, single submitter. Criteria: ACMG Guidelines, 2015. Collection method: clinical testing. Allele origin: germline. Inheritance: Autosomal recessive inheritance. Affected: no. Observed: 1 variant allele, 1 heterozygote.
Comment: This variant is present in exon 59/89 in a position that is conserved across both transcripts of this gene (2/2). Several loss-of-function variants are reported as disease-causing in HGMD and/or ClinVar after this position.

Molecular Genetics Department, Kulakov National Medical Research Center for Obstetrics, Gynecology and Perinatology
Classification: Likely pathogenic for Asphyxiating thoracic dystrophy 3. Review status: criteria provided, single submitter. Criteria: ACMG Guidelines, 2015. Collection method: clinical testing. Allele origin: germline. Affected: yes. Observed: 1 variant allele.
Comment: A previously undescribed heterozygous nucleotide variant creates a premature translation stop signal p.Arg3105Ter in the DYNC2H1 gene (rs777932973). Homozygous and compound heterozygous variants are reported in patients with short-rib thoracic dysplasia 3 with or without polydactyly, 613091. The identified variant has been reported in compound heterozygous state along with other variants in patients with short-rib thoracic dysplasia [Dagoneau et al., 2009, PMID: 19442771; Schmidts et al., 2013, PMID: 23456818]. The variant frequency in population database gnomAD is 0.00019%. In summary, the currently available evidence indicates that the variant is pathogenic, but additional data are needed to prove that conclusively. Therefore, this variant has been classified as likely pathogenic.

Literature cited by the submitters: PubMed 19442771 (cited by Molecular Genetics Department, Kulakov National Medical Research Center for Obstetrics, Gynecology and Perinatology); PubMed 23456818 (cited by Molecular Genetics Department, Kulakov National Medical Research Center for Obstetrics, Gynecology and Perinatology).